The following is an entry in ClinVar:

NM_000393.5(COL5A2):c.752T>C (p.Ile251Thr)

Gene: COL5A2 (collagen type V alpha 2 chain; minus strand). Cytogenetic location: 2q32.2.
Variant type: single nucleotide variant.
Coding change: c.752T>C on transcript NM_000393.5 (MANE Select); coding-DNA position 752, T replaced by C.
Protein change: p.Ile251Thr; replaces isoleucine 251 with threonine.
Molecular consequence: missense variant.
Genome position (GRCh38, 1-based): chr2:189,085,206, A>G on the plus strand (T>C on the coding strand, the complement: COL5A2 is on the minus strand). VCF-style: chr2-189085206-A-G. GRCh37 (hg19) VCF-style: chr2-189949932-A-G.
Other names: short protein forms I251T.
Identifiers: ClinVar variation 3711362 (VCV003711362.2).
Genomic context (GRCh38, chr2:189,085,206, plus strand): 5'-GAAAGGTAGCTTACATCTTCCCCAGGTTTACCAGGAGGGCCCTCTGGTCCACGTGAACCA[A>G]TCGGACCCTAATAACAGAACAAAACAAAAGGAAAAAAAGAATATTTACCTTTACTTGCCA-3'
Protein context (NP_000384.2, residues 241-261): EPGDPGPMGP[Ile251Thr]GSRGPEGPPG

ClinVar aggregate classification (germline): Uncertain significance (1 of 4 stars; one submission).

Conditions:
Ehlers-Danlos syndrome, classic type, 1 (EDSCL1). Also called: EHLERS-DANLOS SYNDROME, GRAVIS TYPE; EHLERS-DANLOS SYNDROME, SEVERE CLASSIC TYPE; Ehlers-Danlos syndrome, type 1; Ehlers-Danlos Syndrome, Classic Type, COL5A1-Related; EDS I. Identifiers: MedGen C0268335, MONDO:0019567, OMIM 130000.

gnomAD v4.1: 4 of 1,610,720 alleles (0.00025%); highest among the groups gnomAD compares: Non-Finnish European, 0.00017%; no homozygotes.

Submission:

Labcorp Genetics (formerly Invitae), Labcorp
Classification: Uncertain significance for Ehlers-Danlos syndrome, classic type, 1. Last evaluated: 2024-07-31. Review status: criteria provided, single submitter. Criteria: Invitae Variant Classification Sherloc (09022015). Collection method: clinical testing. Allele origin: germline.
Comment: This sequence change replaces isoleucine, which is neutral and non-polar, with threonine, which is neutral and polar, at codon 251 of the COL5A2 protein (p.Ile251Thr). This variant is present in population databases (no rsID available, gnomAD 0.0009%). This variant has not been reported in the literature in individuals affected with COL5A2-related conditions. Advanced modeling of protein sequence and biophysical properties (such as structural, functional, and spatial information, amino acid conservation, physicochemical variation, residue mobility, and thermodynamic stability) performed at Invitae indicates that this missense variant is not expected to disrupt COL5A2 protein function with a negative predictive value of 80%. In summary, the available evidence is currently insufficient to determine the role of this variant in disease. Therefore, it has been classified as a Variant of Uncertain Significance.